The following is an entry in ClinVar:

ClinVar aggregate classification (germline): Likely benign (0 of 4 stars; one submission).

Conditions:
OSBP-related disorder. Also called: OSBP-related condition.

Allele frequency attached by ClinVar (database versions not stated): 1000 Genomes Project 0.00579; 1000 Genomes Project 30x 0.00656; ExAC 0.00769.
gnomAD v4.1: 1,036 of 1,214,708 alleles (0.085%); highest among the groups gnomAD compares: African/African-American, 1.3%; 6 homozygotes.

Submission:

PreventionGenetics, part of Exact Sciences
Classification: Likely benign for OSBP-related condition. Last evaluated: 2019-03-22. Review status: no assertion criteria provided. Collection method: clinical testing. Allele origin: germline.
Comment: This variant is classified as likely benign based on ACMG/AMP sequence variant interpretation guidelines (Richards et al. 2015 PMID: 25741868, with internal and published modifications).

NM_002556.3(OSBP):c.184G>T (p.Ala62Ser)

Genes: OSBP (oxysterol binding protein; minus strand), LOC130005752 (ATAC-STARR-seq lymphoblastoid silent region 3366; plus strand). Cytogenetic location: 11q12.1.
Variant type: single nucleotide variant.
Coding change: c.184G>T on transcript NM_002556.3 (MANE Select); coding-DNA position 184, G replaced by T.
Protein change: p.Ala62Ser; replaces alanine 62 with serine.
Molecular consequence: missense variant.
Genome position (GRCh38, 1-based): chr11:59,615,481, C>A on the plus strand (G>T on the coding strand, the complement: OSBP is on the minus strand). VCF-style: chr11-59615481-C-A. GRCh37 (hg19) VCF-style: chr11-59382954-C-A.
Other names: short protein forms A62S.
Identifiers: ClinVar variation 3050586 (VCV003050586.2), dbSNP rs550652114, ClinGen allele CA6019875.
Genomic context (GRCh38, chr11:59,615,481, plus strand): 5'-AGCCGCCCGAGCCCCCAGTCGGCGGCGCAGGGGCCGGGCCAGCCGCCGCCACTCCCCCGG[C>A]CCCCGGGCCCGGGCCTCCCGCCGCCGCCGCGACCACCGTCCCTGACGCGGCCCCGGAGCC-3'
Protein context (NP_002547.1, residues 52-72): AAAAGGPGPG[Ala62Ser]GGVAAAGPAP